The following is an entry in ClinVar:

NM_001291415.2(KDM6A):c.3787A>G (p.Ile1263Val)

Gene: KDM6A (lysine demethylase 6A; plus strand). Cytogenetic location: Xp11.3.
Variant type: single nucleotide variant.
Coding change: c.3787A>G on transcript NM_001291415.2 (MANE Select); coding-DNA position 3787, A replaced by G.
Protein change: p.Ile1263Val; replaces isoleucine 1263 with valine.
Molecular consequence: missense variant. On other transcripts: non-coding transcript variant (1).
Genome position (GRCh38, 1-based): chrX:45,089,825, A>G. VCF-style: chrX-45089825-A-G. GRCh37 (hg19) VCF-style: chrX-44949070-A-G.
Other names: c.3652A>G, p.Ile1218Val (NM_001291416.2, NM_001419811.1); c.3496A>G, p.Ile1166Val (NM_001291417.2); c.3394A>G, p.Ile1132Val (NM_001291418.2, NM_001419815.1); c.2743A>G, p.Ile915Val (NM_001291421.2); c.3529A>G, p.Ile1177Val (NM_001410742.1, NM_001419814.1); c.3787A>G, p.Ile1263Val (NM_001419809.1); c.3685A>G, p.Ile1229Val (NM_001419810.1, NM_001419813.1); c.3631A>G, p.Ile1211Val (NM_001419812.1, NM_021140.4); short protein forms I1132V, I1166V, I1177V, I1211V, I1218V, I1229V, I1263V, I915V.
Identifiers: ClinVar variation 4538365 (VCV004538365.1).

ClinVar aggregate classification (germline): Uncertain significance (1 of 4 stars; one submission).

gnomAD v4.1: 1 of 1,207,851 alleles (0.000083%); highest among the groups gnomAD compares: African/African-American, 0.0018%; no homozygotes.

Submission:

Greenwood Genetic Center Diagnostic Laboratories, Greenwood Genetic Center
Classification: Uncertain significance. Last evaluated: 2025-04-16. Review status: criteria provided, single submitter. Criteria: ACMG Guidelines, 2015. Collection method: clinical testing. Allele origin: germline. Affected: yes.
Comment: PM2